The following is an entry in ClinVar:

NM_183050.4(BCKDHB):c.742+7A>T

Gene: BCKDHB (branched chain keto acid dehydrogenase E1 subunit beta; plus strand). Cytogenetic location: 6q14.1.
Variant type: single nucleotide variant.
Coding change: c.742+7A>T on transcript NM_183050.4 (MANE Select); 7 bases into the intron after coding-DNA position 742, A replaced by T.
Molecular consequence: intron variant.
Genome position (GRCh38, 1-based): chr6:80,171,397, A>T. VCF-style: chr6-80171397-A-T. GRCh37 (hg19) VCF-style: chr6-80881114-A-T.
Other names: c.532+7A>T (NM_001318975.1); c.742+7A>T (NM_000056.5, NM_183050.3).
Identifiers: ClinVar variation 384206 (VCV000384206.15), dbSNP rs111903796, ClinGen allele CA3902720.

ClinVar aggregate classification (germline): Benign/Likely benign. Review status: criteria provided, multiple submitters, no conflicts (2 of 4 stars). 4 submissions from 4 submitters: Benign (1); Likely benign (3). Last evaluated 2026-02-04.

Conditions:
BCKDHB-related disorder. Also called: BCKDHB-related condition.
Maple syrup urine disease (MSUD). Identifiers: Orphanet 511, MedGen C0024776, MeSH D008375, MONDO:0009563. Disease mechanism: loss of function.

Allele frequency attached by ClinVar (database versions not stated): gnomAD exomes 0.00017 and 0.00048; ExAC 0.00076; ESP Exome Variant Server 0.00116; gnomAD 0.00174 and 0.00185; TOPMed 0.00180; 1000 Genomes Project 0.00200; 1000 Genomes Project 30x 0.00203.
gnomAD v4.1: 522 of 1,510,058 alleles (0.035%); highest among the groups gnomAD compares: African/African-American, 0.61%; 3 homozygotes.

Submissions (4):

Labcorp Genetics (formerly Invitae), Labcorp
Classification: Benign for Maple syrup urine disease. Last evaluated: 2026-02-04. Review status: criteria provided, single submitter. Criteria: Invitae Variant Classification Sherloc (09022015). Collection method: clinical testing. Allele origin: germline.

PreventionGenetics, part of Exact Sciences
Classification: Likely benign for BCKDHB-related condition. Last evaluated: 2025-05-18. Review status: criteria provided, single submitter. Criteria: ACMG Guidelines, 2015. Collection method: clinical testing. Allele origin: germline.
Comment: This variant is classified as likely benign based on ACMG/AMP sequence variant interpretation guidelines (Richards et al. 2015 PMID: 25741868, with internal and published modifications).

Blueprint Genetics
Classification: Likely benign. Last evaluated: 2024-11-13. Review status: criteria provided, single submitter. Criteria: ACMG Guidelines, 2015. Collection method: clinical testing. Allele origin: germline.

GeneDx
Classification: Likely benign. Last evaluated: 2017-12-26. Review status: criteria provided, single submitter. Criteria: GeneDx Variant Classification (06012015). Collection method: clinical testing. Allele origin: germline. Affected: yes.
Comment: This variant is considered likely benign or benign based on one or more of the following criteria: it is a conservative change, it occurs at a poorly conserved position in the protein, it is predicted to be benign by multiple in silico algorithms, and/or has population frequency not consistent with disease.